The following is an entry in ClinVar:

NM_001846.4(COL4A2):c.3589G>A (p.Gly1197Ser)

Gene: COL4A2 (collagen type IV alpha 2 chain; plus strand). Cytogenetic location: 13q34.
Variant type: single nucleotide variant.
Coding change: c.3589G>A on transcript NM_001846.4 (MANE Select); coding-DNA position 3589, G replaced by A.
Protein change: p.Gly1197Ser; replaces glycine 1197 with serine.
Molecular consequence: missense variant.
Genome position (GRCh38, 1-based): chr13:110,493,237, G>A. VCF-style: chr13-110493237-G-A. GRCh37 (hg19) VCF-style: chr13-111145584-G-A.
Other names: short protein forms G1197S.
Identifiers: ClinVar variation 1990226 (VCV001990226.1), dbSNP rs776084205, ClinGen allele CA7050258.

ClinVar aggregate classification (germline): Uncertain significance (1 of 4 stars; one submission).

Allele frequency attached by ClinVar (database versions not stated): gnomAD 0.00001; TOPMed 0.00001; ExAC 0.00002.
gnomAD v4.1: 7 of 1,614,034 alleles (0.00043%); highest among the groups gnomAD compares: East Asian, 0.0022%; no homozygotes.

Submission:

Labcorp Genetics (formerly Invitae), Labcorp
Classification: Uncertain significance. Last evaluated: 2021-12-23. Review status: criteria provided, single submitter. Criteria: Invitae Variant Classification Sherloc (09022015). Collection method: clinical testing. Allele origin: germline.
Comment: This sequence change replaces glycine, which is neutral and non-polar, with serine, which is neutral and polar, at codon 1197 of the COL4A2 protein (p.Gly1197Ser). This variant is present in population databases (rs776084205, gnomAD 0.02%). This variant has not been reported in the literature in individuals affected with COL4A2-related conditions. Advanced modeling of protein sequence and biophysical properties (such as structural, functional, and spatial information, amino acid conservation, physicochemical variation, residue mobility, and thermodynamic stability) performed at Invitae indicates that this missense variant is expected to disrupt COL4A2 protein function. In summary, the available evidence is currently insufficient to determine the role of this variant in disease. Therefore, it has been classified as a Variant of Uncertain Significance.